The following is an entry in ClinVar:

ClinVar aggregate classification (germline): Pathogenic (1 of 4 stars; one submission).

Conditions:
Hearing loss, autosomal recessive. Also called: Deafness, autosomal recessive; Autosomal recessive nonsyndromic deafness; Rare autosomal recessive non-syndromic sensorineural deafness type DFNB; Nonsyndromic Hearing Loss, Recessive. Identifiers: Orphanet 90635, Orphanet 90636, MedGen C1846647, MONDO:0019588, OMIM 607197.

gnomAD v4.1: 10 of 1,610,458 alleles (0.00062%); highest among the groups gnomAD compares: Admixed American, 0.0017%; no homozygotes.

Submission:

Laboratory of Human Genetics, Universidade de São Paulo
Classification: Pathogenic for Hearing loss, autosomal recessive. Last evaluated: 2024-05-01. Review status: criteria provided, single submitter. Criteria: ClinGen HL ACMG Specifications v1. Collection method: research. Allele origin: biparental. Affected: yes. Observed: 3 variant alleles. Clinical features observed: Hearing impairment (HP:0000365).
Comment: The CEACAM16:c.436 C > T/p.(Arg146Ter) is a extremely rare loss-of-function variant, and segregates with post-lingual progressive autosomal recessive hearing loss. Three affected individuals were born from a heterozygous consanguineous couple. This variant is predicted to significantly reduce the size of the wild type protein. Our results give additional support that loss-of-function variants in CEACAM16 cause autosomal recessive hearing loss in humans. Iit has already been described in details in (PMID: 30514912) PVS1, PM2, PM3, PP1

NM_001039213.4(CEACAM16):c.436C>T (p.Arg146Ter)

Genes: CEACAM16 (CEA cell adhesion molecule 16, tectorial membrane component; plus strand), CEACAM16-AS1 (CEACAM16, CEACAM19 and PVR antisense RNA 1; minus strand). Cytogenetic location: 19q13.32.
Variant type: single nucleotide variant.
Coding change: c.436C>T on transcript NM_001039213.4 (MANE Select); coding-DNA position 436, C replaced by T.
Protein change: p.Arg146Ter; replaces arginine 146 with a stop codon.
Molecular consequence: nonsense.
Genome position (GRCh38, 1-based): chr19:44,704,071, C>T. VCF-style: chr19-44704071-C-T. GRCh37 (hg19) VCF-style: chr19-45207341-C-T.
Other names: short protein forms R146*.
Identifiers: ClinVar variation 3340146 (VCV003340146.1).
Genomic context (GRCh38, chr19:44,704,071, plus strand): 5'-CCCACAGAGATCCTGGCCCAGCCCACAGTCTTGGCCAACAGCACAGCGCTGGTGGAACGT[C>T]GAGACACCCTGCGCCTTATGTGCAGCAGCCCCAGCCCCACCGCCGAGGTCCGCTGGTTCT-3'